The following is an entry in ClinVar:

NR_001564.3(XIST):n.5054A>G

Gene: XIST (X inactive specific transcript; minus strand). Cytogenetic location: Xq13.2.
Variant type: single nucleotide variant.
Genome position: GRCh38 VCF-style: chrX-73847661-T-C. GRCh37 (hg19) VCF-style: chrX-73067496-T-C.
Identifiers: ClinVar variation 3034118 (VCV003034118.2), dbSNP rs11553101, ClinGen allele CA10453415.

ClinVar aggregate classification (germline): Benign (0 of 4 stars; one submission).

Conditions:
XIST-related disorder. Also called: XIST-related condition.

Allele frequency attached by ClinVar (database versions not stated): gnomAD exomes 0.00468; ExAC 0.02111; ESP Exome Variant Server 0.02182; gnomAD 0.02196; TOPMed 0.02396; 1000 Genomes Project 0.02464; 1000 Genomes Project 30x 0.02685.
gnomAD v4.1: 4,433 of 522,850 alleles (0.85%); highest among the groups gnomAD compares: African/African-American, 7.2%; 102 homozygotes.

Submission:

PreventionGenetics, part of Exact Sciences
Classification: Benign for XIST-related condition. Last evaluated: 2019-03-11. Review status: no assertion criteria provided. Collection method: clinical testing. Allele origin: germline.
Comment: This variant is classified as benign based on ACMG/AMP sequence variant interpretation guidelines (Richards et al. 2015 PMID: 25741868, with internal and published modifications).